The following is an entry in ClinVar:

NM_001429.4(EP300):c.169A>G (p.Asn57Asp)

Gene: EP300 (EP300 lysine acetyltransferase; plus strand). Cytogenetic location: 22q13.2.
Variant type: single nucleotide variant.
Coding change: c.169A>G on transcript NM_001429.4 (MANE Select); coding-DNA position 169, A replaced by G.
Protein change: p.Asn57Asp; replaces asparagine 57 with aspartic acid.
Molecular consequence: missense variant.
Genome position (GRCh38, 1-based): chr22:41,117,261, A>G. VCF-style: chr22-41117261-A-G. GRCh37 (hg19) VCF-style: chr22-41513265-A-G.
Other names: c.169A>G, p.Asn57Asp (NM_001362843.2); short protein forms N57D.
Identifiers: ClinVar variation 1430922 (VCV001430922.9), dbSNP rs1186074560, ClinGen allele CA411679767.

ClinVar aggregate classification (germline): Uncertain significance. Review status: criteria provided, multiple submitters, no conflicts (2 of 4 stars). 3 submissions from 3 submitters: Uncertain significance (3). Last evaluated 2026-02-04.

Conditions:
EP300-related disorder. Also called: EP300-related disorders; EP300-related condition.
Rubinstein-Taybi syndrome due to EP300 haploinsufficiency. Also called: EP300-Related Rubinstein-Taybi Syndrome; RUBINSTEIN-TAYBI SYNDROME 2. Identifiers: Orphanet 353284, Orphanet 783, MedGen C3150941, MONDO:0013364, OMIM 613684.

Allele frequency attached by ClinVar (database versions not stated): gnomAD exomes below 0.00001; TOPMed below 0.00001; gnomAD 0.00001.
gnomAD v4.1: 4 of 1,614,078 alleles (0.00025%); highest among the groups gnomAD compares: Non-Finnish European, 0.00034%; no homozygotes.

Submissions (3):

PreventionGenetics, part of Exact Sciences
Classification: Uncertain significance for EP300-related condition. Last evaluated: 2026-02-04. Review status: criteria provided, single submitter. Criteria: ACMG Guidelines, 2015. Collection method: clinical testing. Allele origin: germline.
Comment: The EP300 c.169A>G variant is predicted to result in the amino acid substitution p.Asn57Asp. To our knowledge, this variant has not been reported in the literature or in a large population database (gnomAD), indicating this variant is rare. At this time, the clinical significance of this variant is uncertain due to the absence of conclusive functional and genetic evidence.

Labcorp Genetics (formerly Invitae), Labcorp
Classification: Uncertain significance for Rubinstein-Taybi syndrome due to EP300 haploinsufficiency. Last evaluated: 2025-12-19. Review status: criteria provided, single submitter. Criteria: Invitae Variant Classification Sherloc (09022015). Collection method: clinical testing. Allele origin: germline.
Comment: This sequence change replaces asparagine, which is neutral and polar, with aspartic acid, which is acidic and polar, at codon 57 of the EP300 protein (p.Asn57Asp). This variant is not present in population databases (gnomAD no frequency). This variant has not been reported in the literature in individuals affected with EP300-related conditions. ClinVar contains an entry for this variant (Variation ID: 1430922). Invitae Evidence Modeling of protein sequence and biophysical properties (such as structural, functional, and spatial information, amino acid conservation, physicochemical variation, residue mobility, and thermodynamic stability) indicates that this missense variant is not expected to disrupt EP300 protein function with a negative predictive value of 95%. In summary, the available evidence is currently insufficient to determine the role of this variant in disease. Therefore, it has been classified as a Variant of Uncertain Significance.

GeneDx
Classification: Uncertain significance. Last evaluated: 2022-03-29. Review status: criteria provided, single submitter. Criteria: GeneDx Variant Classification Process June 2021. Collection method: clinical testing. Allele origin: germline. Affected: yes.
Comment: Has not been previously published as pathogenic or benign to our knowledge; In silico analysis supports that this missense variant has a deleterious effect on protein structure/function